The following is an entry in ClinVar:

NM_007194.4(CHEK2):c.1354T>G (p.Trp452Gly)

Gene: CHEK2 (checkpoint kinase 2; minus strand). Cytogenetic location: 22q12.1.
Variant type: single nucleotide variant.
Coding change: c.1354T>G on transcript NM_007194.4 (MANE Select); coding-DNA position 1354, T replaced by G.
Protein change: p.Trp452Gly; replaces tryptophan 452 with glycine.
Molecular consequence: missense variant.
Genome position (GRCh38, 1-based): chr22:28,695,148, A>C on the plus strand (T>G on the coding strand, the complement: CHEK2 is on the minus strand). VCF-style: chr22-28695148-A-C. GRCh37 (hg19) VCF-style: chr22-29091136-A-C.
Other names: c.1483T>G, p.Trp495Gly (NM_001005735.3); c.691T>G, p.Trp231Gly (NM_001257387.3); c.1153T>G, p.Trp385Gly (NM_001349956.3); c.1267T>G, p.Trp423Gly (NM_145862.3); short protein forms W231G, W452G, W423G, W495G, W385G.
Identifiers: ClinVar variation 959921 (VCV000959921.10), dbSNP rs764449869, ClinGen allele CA411095547.
Genomic context (GRCh38, chr22:28,695,148, plus strand): 5'-TTAGCATACCACAAATTCTTAACCCTTTCATATTCATACCTTTCTCTGAGACTTCTGCCC[A>C]GACTTCAGGAATGAAGTTGTATTTTCCACTGGTGATCTGATCCTTCAGTGACACTTGAGT-3'
Protein context (NP_009125.1, residues 442-462): SGKYNFIPEV[Trp452Gly]AEVSEKALDL

ClinVar aggregate classification (germline): Uncertain significance (1 of 4 stars; one submission).

Conditions:
Familial cancer of breast. Also called: BREAST CANCER, FAMILIAL; Hereditary breast cancer; hereditary breast carcinoma. Identifiers: Orphanet 227535, MedGen C0346153, MONDO:0016419, OMIM 114480. Disease mechanism: loss of function.

Submission:

Labcorp Genetics (formerly Invitae), Labcorp
Classification: Uncertain significance for Familial cancer of breast. Last evaluated: 2022-01-17. Review status: criteria provided, single submitter. Criteria: Invitae Variant Classification Sherloc (09022015). Collection method: clinical testing. Allele origin: germline.
Comment: This variant is not present in population databases (gnomAD no frequency). This sequence change replaces tryptophan, which is neutral and slightly polar, with glycine, which is neutral and non-polar, at codon 452 of the CHEK2 protein (p.Trp452Gly). This variant has not been reported in the literature in individuals affected with CHEK2-related conditions. ClinVar contains an entry for this variant (Variation ID: 959921). Algorithms developed to predict the effect of missense changes on protein structure and function are either unavailable or do not agree on the potential impact of this missense change (SIFT: "Deleterious"; PolyPhen-2: "Probably Damaging"; Align-GVGD: "Class C0"). In summary, the available evidence is currently insufficient to determine the role of this variant in disease. Therefore, it has been classified as a Variant of Uncertain Significance.